The following is an entry in ClinVar:

ClinVar aggregate classification (germline): Uncertain significance. Review status: criteria provided, multiple submitters, no conflicts (2 of 4 stars). 2 submissions from 2 submitters: Uncertain significance (2). Last evaluated 2025-03-29.

Conditions:
Glycosylphosphatidylinositol biosynthesis defect 16. Also called: MENTAL RETARDATION, AUTOSOMAL RECESSIVE 62. Identifiers: MedGen C4540521, MONDO:0040500, OMIM 617816.

Allele frequency attached by ClinVar (database versions not stated): ESP Exome Variant Server 0.00008; gnomAD 0.00008 and 0.00009; ExAC 0.00009; TOPMed 0.00012; gnomAD exomes 0.00014.
gnomAD v4.1: 136 of 1,611,710 alleles (0.0084%); highest among the groups gnomAD compares: Admixed American, 0.049%; no homozygotes.

Submissions (2):

Labcorp Genetics (formerly Invitae), Labcorp
Classification: Uncertain significance. Last evaluated: 2025-03-29. Review status: criteria provided, single submitter. Criteria: Invitae Variant Classification Sherloc (09022015). Collection method: clinical testing. Allele origin: germline.
Comment: This sequence change replaces arginine, which is basic and polar, with histidine, which is basic and polar, at codon 271 of the PIGC protein (p.Arg271His). This variant is present in population databases (rs370905635, gnomAD 0.06%). This variant has not been reported in the literature in individuals affected with PIGC-related conditions. ClinVar contains an entry for this variant (Variation ID: 1033525). Invitae Evidence Modeling of protein sequence and biophysical properties (such as structural, functional, and spatial information, amino acid conservation, physicochemical variation, residue mobility, and thermodynamic stability) indicates that this missense variant is not expected to disrupt PIGC protein function with a negative predictive value of 80%. In summary, the available evidence is currently insufficient to determine the role of this variant in disease. Therefore, it has been classified as a Variant of Uncertain Significance.

Baylor Genetics
Classification: Uncertain significance for Glycosylphosphatidylinositol biosynthesis defect 16. Last evaluated: 2018-06-26. Review status: criteria provided, single submitter. Criteria: ACMG Guidelines, 2015. Collection method: clinical testing. Allele origin: paternal. Affected: yes.
Comment: This variant was determined to be of uncertain significance according to ACMG Guidelines, 2015 [PMID:25741868].

NM_153747.2(PIGC):c.812G>A (p.Arg271His)

Genes: PIGC (phosphatidylinositol glycan anchor biosynthesis class C; minus strand), C1orf105 (chromosome 1 open reading frame 105; plus strand). Cytogenetic location: 1q24.3.
Variant type: single nucleotide variant.
Coding change: c.812G>A on transcript NM_153747.2 (MANE Select); coding-DNA position 812, G replaced by A.
Protein change: p.Arg271His; replaces arginine 271 with histidine.
Molecular consequence: missense variant. On other transcripts: intron variant (1).
Genome position (GRCh38, 1-based): chr1:172,441,811, C>T on the plus strand (G>A on the coding strand, the complement: PIGC is on the minus strand). VCF-style: chr1-172441811-C-T. GRCh37 (hg19) VCF-style: chr1-172410951-C-T.
Other names: c.812G>A, p.Arg271His (NM_002642.4); c.22-3262C>T (NM_139240.4); short protein forms R271H.
Identifiers: ClinVar variation 1033525 (VCV001033525.4), dbSNP rs370905635, ClinGen allele CA1245911.